The following is an entry in ClinVar:

NM_001382391.1(CSPP1):c.2284C>A (p.Leu762Met)

Gene: CSPP1 (centrosome and spindle pole associated protein 1; plus strand). Cytogenetic location: 8q13.2.
Variant type: single nucleotide variant.
Coding change: c.2284C>A on transcript NM_001382391.1 (MANE Select); coding-DNA position 2284, C replaced by A.
Protein change: p.Leu762Met; replaces leucine 762 with methionine.
Molecular consequence: missense variant.
Genome position (GRCh38, 1-based): chr8:67,158,489, C>A. VCF-style: chr8-67158489-C-A. GRCh37 (hg19) VCF-style: chr8-68070724-C-A.
Other names: c.1234C>A, p.Leu412Met (NM_001291339.2); c.2203C>A, p.Leu735Met (NM_001363131.2); c.2089C>A, p.Leu697Met (NM_001363132.2); c.2008C>A, p.Leu670Met (NM_001363133.2); c.2350C>A, p.Leu784Met (NM_001364869.1); c.2170C>A, p.Leu724Met (NM_001364870.1); c.2269C>A, p.Leu757Met (NM_024790.7); short protein forms L412M, L670M, L697M, L724M, L735M, L757M, L762M, L784M.
Identifiers: ClinVar variation 1063681 (VCV001063681.30), dbSNP rs760013419, ClinGen allele CA4770799.

ClinVar aggregate classification (germline): Uncertain significance. Review status: criteria provided, multiple submitters, no conflicts (2 of 4 stars). 3 submissions from 3 submitters: Uncertain significance (3). Last evaluated 2025-03-31.

Conditions:
Joubert syndrome 21 (JBTS21). Identifiers: MedGen C3810212, MONDO:0014288, OMIM 615636.

Allele frequency attached by ClinVar (database versions not stated): gnomAD 0.00001 and 0.00003; TOPMed 0.00002; ExAC 0.00003; gnomAD exomes 0.00003.
gnomAD v4.1: 39 of 1,612,534 alleles (0.0024%); highest among the groups gnomAD compares: Middle Eastern, 0.082%; no homozygotes.

Submissions (3):

Labcorp Genetics (formerly Invitae), Labcorp
Classification: Uncertain significance for Joubert syndrome 21. Last evaluated: 2025-03-31. Review status: criteria provided, single submitter. Criteria: Invitae Variant Classification Sherloc (09022015). Collection method: clinical testing. Allele origin: germline.
Comment: This sequence change replaces leucine, which is neutral and non-polar, with methionine, which is neutral and non-polar, at codon 757 of the CSPP1 protein (p.Leu757Met). This variant is present in population databases (rs760013419, gnomAD 0.007%). This variant has not been reported in the literature in individuals affected with CSPP1-related conditions. ClinVar contains an entry for this variant (Variation ID: 1063681). An algorithm developed to predict the effect of missense changes on protein structure and function (PolyPhen-2) suggests that this variant is likely to be disruptive. In summary, the available evidence is currently insufficient to determine the role of this variant in disease. Therefore, it has been classified as a Variant of Uncertain Significance.

Blueprint Genetics
Classification: Uncertain significance. Last evaluated: 2024-04-24. Review status: criteria provided, single submitter. Criteria: ACMG Guidelines, 2015. Collection method: clinical testing. Allele origin: germline.

CeGaT Center for Human Genetics Tuebingen
Classification: Uncertain significance. Last evaluated: 2023-08-01. Review status: criteria provided, single submitter. Criteria: CeGaT Center For Human Genetics Tuebingen Variant Classification Criteria Version 2. Collection method: clinical testing. Allele origin: germline. Affected: yes. Observed: 1 variant allele.
Comment: CSPP1: PM2